The following is an entry in ClinVar:

ClinVar aggregate classification (germline): Likely benign. Review status: criteria provided, multiple submitters, no conflicts (2 of 4 stars). 3 submissions from 3 submitters: Likely benign (3). Last evaluated 2026-01-03.

Conditions:
X-linked myopathy with postural muscle atrophy. Also called: FHL1-Related Emery-Dreifuss Muscular Dystrophy, X-Linked. Identifiers: Orphanet 178461, MedGen C2678055, MONDO:0010401, OMIM 300696.

Allele frequency attached by ClinVar (database versions not stated): gnomAD exomes 0.00001; gnomAD 0.00005; TOPMed 0.00007.
gnomAD v4.1: 12 of 1,209,388 alleles (0.00099%); highest among the groups gnomAD compares: African/African-American, 0.017%; no homozygotes.

Submissions (3):

Labcorp Genetics (formerly Invitae), Labcorp
Classification: Likely benign for X-linked myopathy with postural muscle atrophy. Last evaluated: 2026-01-03. Review status: criteria provided, single submitter. Criteria: Invitae Variant Classification Sherloc (09022015). Collection method: clinical testing. Allele origin: germline.

Women's Health and Genetics/Laboratory Corporation of America, LabCorp
Classification: Likely benign. Last evaluated: 2023-12-03. Review status: criteria provided, single submitter. Criteria: LabCorp Variant Classification Summary - May 2015. Collection method: clinical testing. Allele origin: germline.

GeneDx
Classification: Likely benign. Last evaluated: 2017-12-01. Review status: criteria provided, single submitter. Criteria: GeneDx Variant Classification (06012015). Collection method: clinical testing. Allele origin: germline. Affected: yes.
Comment: This variant is considered likely benign or benign based on one or more of the following criteria: it is a conservative change, it occurs at a poorly conserved position in the protein, it is predicted to be benign by multiple in silico algorithms, and/or has population frequency not consistent with disease.

NM_001159699.2(FHL1):c.550-15C>A

Gene: FHL1 (four and a half LIM domains 1; plus strand). Cytogenetic location: Xq26.3.
Variant type: single nucleotide variant.
Coding change: c.550-15C>A on transcript NM_001159699.2 (MANE Select); 15 bases into the intron before coding-DNA position 550, C replaced by A.
Molecular consequence: intron variant.
Genome position (GRCh38, 1-based): chrX:136,208,440, C>A. VCF-style: chrX-136208440-C-A. GRCh37 (hg19) VCF-style: chrX-135290599-C-A.
Other names: c.502-15C>A (NM_001159702.3, NM_001449.5, NM_001369326.1 and 8 more transcripts); c.501+479C>A (NM_001159703.2); c.589-15C>A (NM_001159701.2); c.549+479C>A (NM_001330659.2).
Identifiers: ClinVar variation 507218 (VCV000507218.6), dbSNP rs764137409, ClinGen allele CA644668536.